The following is an entry in ClinVar:

NM_001282531.3(ADNP):c.1151A>G (p.Gln384Arg)

Gene: ADNP (activity dependent neuroprotector homeobox; minus strand). Cytogenetic location: 20q13.13.
Variant type: single nucleotide variant.
Coding change: c.1151A>G on transcript NM_001282531.3 (MANE Select); coding-DNA position 1151, A replaced by G.
Protein change: p.Gln384Arg; replaces glutamine 384 with arginine.
Molecular consequence: missense variant.
Genome position (GRCh38, 1-based): chr20:50,893,563, T>C on the plus strand (A>G on the coding strand, the complement: ADNP is on the minus strand). VCF-style: chr20-50893563-T-C. GRCh37 (hg19) VCF-style: chr20-49510100-T-C.
Other names: c.1151A>G, p.Gln384Arg (NM_001282532.2, NM_001347511.2, NM_015339.5 and 1 more transcripts); short protein forms Q384R.
Identifiers: ClinVar variation 1716440 (VCV001716440.5), dbSNP rs1981043466, ClinGen allele CA408974456.

ClinVar aggregate classification (germline): Uncertain significance (1 of 4 stars; one submission).

Allele frequency attached by ClinVar (database versions not stated): gnomAD 0.00001; TOPMed 0.00001.
gnomAD v4.1: 1 of 1,613,944 alleles (0.000062%); highest among the groups gnomAD compares: East Asian, 0.0022%; no homozygotes.

Submission:

Labcorp Genetics (formerly Invitae), Labcorp
Classification: Uncertain significance. Last evaluated: 2025-02-17. Review status: criteria provided, single submitter. Criteria: Invitae Variant Classification Sherloc (09022015). Collection method: clinical testing. Allele origin: germline.
Comment: This sequence change replaces glutamine, which is neutral and polar, with arginine, which is basic and polar, at codon 384 of the ADNP protein (p.Gln384Arg). This variant is not present in population databases (gnomAD no frequency). This variant has not been reported in the literature in individuals affected with ADNP-related conditions. ClinVar contains an entry for this variant (Variation ID: 1716440). An algorithm developed to predict the effect of missense changes on protein structure and function (PolyPhen-2) suggests that this variant is likely to be disruptive. In summary, the available evidence is currently insufficient to determine the role of this variant in disease. Therefore, it has been classified as a Variant of Uncertain Significance.